The following is an entry in ClinVar:

NM_002485.5(NBN):c.704A>C (p.His235Pro)

Gene: NBN (nibrin; minus strand). Cytogenetic location: 8q21.3.
Variant type: single nucleotide variant.
Coding change: c.704A>C on transcript NM_002485.5 (MANE Select); coding-DNA position 704, A replaced by C.
Protein change: p.His235Pro; replaces histidine 235 with proline.
Molecular consequence: missense variant.
Genome position (GRCh38, 1-based): chr8:89,970,556, T>G on the plus strand (A>C on the coding strand, the complement: NBN is on the minus strand). VCF-style: chr8-89970556-T-G. GRCh37 (hg19) VCF-style: chr8-90982784-T-G.
Other names: c.458A>C, p.His153Pro (NM_001024688.3); short protein forms H153P, H235P.
Identifiers: ClinVar variation 2676941 (VCV002676941.2), dbSNP rs769519885, ClinGen allele CA371658901.
Genomic context (GRCh38, chr8:89,970,556, plus strand): 5'-TCTTCTGTTATCAACCTAGCTTCCCCACCTCCAAAGACAACTGCGGAACTCAATTTCTTA[T>G]GCTAAAAATGGAAGGAAACATTTTTTAAAGTAAAATGTAGTAATTTTTTGAACACATAAG-3'
Protein context (NP_002476.2, residues 225-245): KTFIFLNAKQ[His235Pro]KKLSSAVVFG

ClinVar aggregate classification (germline): Uncertain significance. Review status: criteria provided, multiple submitters, no conflicts (2 of 4 stars). 2 submissions from 2 submitters: Uncertain significance (2). Last evaluated 2026-08-07.

Conditions:
Aplastic anemia. Identifiers: Orphanet 182040, Orphanet 88, MedGen C0002874, MONDO:0015909, OMIM 609135, HP:0001915.
Hereditary cancer-predisposing syndrome. Also called: Hereditary neoplastic syndrome; Hereditary Cancer Syndrome; Neoplastic Syndromes, Hereditary; Tumor predisposition. Identifiers: Orphanet 140162, MedGen C0027672, MeSH D009386, MONDO:0015356.

Submissions (2):

Ambry Genetics
Classification: Uncertain significance for Hereditary cancer-predisposing syndrome. Last evaluated: 2026-08-07. Review status: criteria provided, single submitter. Criteria: Ambry Variant Classification Scheme 2023. Collection method: clinical testing. Allele origin: germline.
Comment: The p.H235P variant (also known as c.704A>C), located in coding exon 7 of the NBN gene, results from an A to C substitution at nucleotide position 704. The histidine at codon 235 is replaced by proline, an amino acid with similar properties. This amino acid position is conserved. In addition, the in silico prediction for this alteration is inconclusive. Based on the available evidence, the clinical significance of this variant remains unclear.

Baylor Genetics
Classification: Uncertain significance for Aplastic anemia. Last evaluated: 2023-06-06. Review status: criteria provided, single submitter. Criteria: ACMG Guidelines, 2015. Collection method: clinical testing. Allele origin: unknown.